The following is an entry in ClinVar:

ClinVar aggregate classification (germline): Pathogenic/Likely pathogenic. Review status: criteria provided, multiple submitters, no conflicts (2 of 4 stars). 3 submissions from 3 submitters: Pathogenic (1); Likely pathogenic (1). 1 of the submissions does not count toward it. Last evaluated 2025-03-10.

Conditions:
Nephronophthisis. Also called: Juvenile Nephronophthisis. Identifiers: Orphanet 655, MedGen C0687120, MONDO:0019005, HP:0000090.
Jeune thoracic dystrophy. Also called: Jeune syndrome; Short-rib thoracic dysplasia; Infantile thoracic dystrophy; Thoracic pelvic phalangeal dystrophy; Jeune's syndrome; Chondroectodermal dysplasia-like syndrome. Identifiers: Orphanet 474, MedGen C0265275, MONDO:0018770.
Asphyxiating thoracic dystrophy 4 (SRTD4). Also called: SHORT-RIB THORACIC DYSPLASIA 4 WITH OR WITHOUT POLYDACTYLY; SHORT-RIB THORACIC DYSPLASIA 4. Identifiers: Orphanet 474, MedGen C3151185, MONDO:0013441, OMIM 613819.
Nephronophthisis 12 (NPHP12). Identifiers: Orphanet 655, MedGen C3151186, MONDO:0013442, OMIM 613820.

Allele frequency attached by ClinVar (database versions not stated): gnomAD exomes below 0.00001; TOPMed 0.00004; gnomAD 0.00005; ESP Exome Variant Server 0.00008.

Submissions (3):

Labcorp Genetics (formerly Invitae), Labcorp
Classification: Pathogenic for Jeune thoracic dystrophy; Nephronophthisis. Last evaluated: 2025-03-10. Review status: criteria provided, single submitter. Criteria: Invitae Variant Classification Sherloc (09022015). Collection method: clinical testing. Allele origin: germline.
Comment: This sequence change creates a premature translational stop signal (p.Val972Serfs*11) in the TTC21B gene. It is expected to result in an absent or disrupted protein product. Loss-of-function variants in TTC21B are known to be pathogenic (PMID: 18327258, 21068128, 21258341, 23559409, 24876116, 25492405, 27491411, 29068549). This variant is present in population databases (no rsID available, gnomAD 0.01%). This variant has not been reported in the literature in individuals affected with TTC21B-related conditions. ClinVar contains an entry for this variant (Variation ID: 591254). For these reasons, this variant has been classified as Pathogenic.

Fulgent Genetics
Classification: Likely pathogenic for Asphyxiating thoracic dystrophy 4; Nephronophthisis 12. Last evaluated: 2024-05-20. Review status: criteria provided, single submitter. Criteria: ACMG Guidelines, 2015. Collection method: clinical testing. Allele origin: germline.

Gharavi Laboratory, Columbia University
Classification: Uncertain significance. Last evaluated: 2018-09-16. Review status: no assertion criteria provided. Criteria: ACMG Guidelines, 2015. Collection method: research. Allele origin: germline. Affected: yes. Not counted in ClinVar's aggregate classification.

Literature cited by the submitters: PubMed 18327258 (cited by Labcorp Genetics (formerly Invitae), Labcorp); PubMed 21068128 (cited by Labcorp Genetics (formerly Invitae), Labcorp); PubMed 21258341 (cited by Labcorp Genetics (formerly Invitae), Labcorp); PubMed 23559409 (cited by Labcorp Genetics (formerly Invitae), Labcorp); PubMed 24876116 (cited by Labcorp Genetics (formerly Invitae), Labcorp); PubMed 25492405 (cited by Labcorp Genetics (formerly Invitae), Labcorp); PubMed 27491411 (cited by Labcorp Genetics (formerly Invitae), Labcorp); PubMed 29068549 (cited by Labcorp Genetics (formerly Invitae), Labcorp).

NM_024753.5(TTC21B):c.2913dup (p.Val972fs)

Gene: TTC21B (tetratricopeptide repeat domain 21B; minus strand). Cytogenetic location: 2q24.3.
Variant type: Duplication.
Coding change: c.2913dup on transcript NM_024753.5 (MANE Select); coding-DNA position 2913, one base duplicated (A; older notation c.2913dupA).
Protein change: p.Val972fs; shifts the reading frame from valine 972.
Molecular consequence: frameshift variant.
Genome position (GRCh38, 1-based): chr2:165,898,723, T duplicated on the plus strand (A on the coding strand, the reverse complement: TTC21B is on the minus strand). VCF-style (leftmost placement, unchanged base first): chr2-165898722-C-CT. GRCh37 (hg19) VCF-style: chr2-166755232-C-CT.
Other names: short protein forms V972fs.
Identifiers: ClinVar variation 591254 (VCV000591254.6), dbSNP rs867205119, ClinGen allele CA59784479.